The following is an entry in ClinVar:

ClinVar aggregate classification (germline): Uncertain significance. Review status: criteria provided, multiple submitters, no conflicts (2 of 4 stars). 3 submissions from 3 submitters: Uncertain significance (3). Last evaluated 2026-02-04.

Conditions:
KLF10-related hypertrophic cardiomyopathy.

Allele frequency attached by ClinVar (database versions not stated): gnomAD exomes 0.00007; ExAC 0.00008; gnomAD 0.00017 and 0.00014; 1000 Genomes Project 0.00040; 1000 Genomes Project 30x 0.00047; TOPMed 0.00047.

Submissions (3):

Dasa
Classification: Uncertain significance for KLF10-related hypertrophic cardiomyopathy. Last evaluated: 2026-02-04. Review status: criteria provided, single submitter. Criteria: DASA Assertion Criteria. Collection method: clinical testing. Allele origin: germline.
Comment: NM_005655.4(KLF10):c.1063G>T (p.Ala355Ser) is a missense variant that results in the substitution of alanine with serine. This variant is rare in population databases. Computational prediction algorithms are consistent with a benign effect. The currently available literature and clinical evidence are not sufficient to establish a definitive association between this variant and the reported condition. Therefore, this variant is classified as a variant of uncertain significance.

Labcorp Genetics (formerly Invitae), Labcorp
Classification: Uncertain significance. Last evaluated: 2025-09-16. Review status: criteria provided, single submitter. Criteria: Invitae Variant Classification Sherloc (09022015). Collection method: clinical testing. Allele origin: germline.
Comment: This sequence change replaces alanine, which is neutral and non-polar, with serine, which is neutral and polar, at codon 355 of the KLF10 protein (p.Ala355Ser). The frequency data for this variant in the population databases is considered unreliable, as metrics indicate poor data quality at this position in the gnomAD database. This variant has not been reported in the literature in individuals affected with KLF10-related conditions. ClinVar contains an entry for this variant (Variation ID: 1446673). An algorithm developed to predict the effect of missense changes on protein structure and function (PolyPhen-2) suggests that this variant is likely to be tolerated. In summary, the available evidence is currently insufficient to determine the role of this variant in disease. Therefore, it has been classified as a Variant of Uncertain Significance.

Ambry Genetics
Classification: Uncertain significance. Last evaluated: 2025-08-09. Review status: criteria provided, single submitter. Criteria: Ambry Variant Classification Scheme 2023. Collection method: clinical testing. Allele origin: germline.

NM_005655.4(KLF10):c.1063G>T (p.Ala355Ser)

Gene: KLF10 (KLF transcription factor 10; minus strand). Cytogenetic location: 8q22.3.
Variant type: single nucleotide variant.
Coding change: c.1063G>T on transcript NM_005655.4 (MANE Select); coding-DNA position 1063, G replaced by T.
Protein change: p.Ala355Ser; replaces alanine 355 with serine.
Molecular consequence: missense variant. On other transcripts: non-coding transcript variant (1).
Genome position (GRCh38, 1-based): chr8:102,651,269, C>A on the plus strand (G>T on the coding strand, the complement: KLF10 is on the minus strand). VCF-style: chr8-102651269-C-A. GRCh37 (hg19) VCF-style: chr8-103663497-C-A.
Other names: c.1063G>T (NM_005655.2); c.1030G>T, p.Ala344Ser (NM_001032282.4); short protein forms A344S, A355S.
Identifiers: ClinVar variation 1446673 (VCV001446673.9), dbSNP rs201432927, ClinGen allele CA4833480.
Genomic context (GRCh38, chr8:102,651,269, plus strand): 5'-CTGGGTGGCTACAGATGTGACTCCTTATCCTTGATGAATCAATCTGAGGAGTGACTTTTG[C>A]TGCTGAAGGGGAAAACCCAGGAGCAGGGGCAATGGGAGAGAGTCTGGTGCCATTCGGGCT-3'
Protein context (NP_005646.1, residues 345-365): APAPGFSPSA[Ala355Ser]KVTPQIDSSR